The following is an entry in ClinVar:

NM_170707.4(LMNA):c.11dup (p.Ser5fs)

Gene: LMNA (lamin A/C; plus strand). Cytogenetic location: 1q22.
Variant type: Duplication.
Coding change: c.11dup on transcript NM_170707.4 (MANE Select); coding-DNA position 11, one base duplicated (C; older notation c.11dupC).
Protein change: p.Ser5fs; shifts the reading frame from serine 5.
Molecular consequence: frameshift variant.
Genome position (GRCh38, 1-based): chr1:156,114,929, C duplicated; the last of 4 consecutive C bases (chr1:156,114,926-156,114,929); duplicating any one gives the same sequence. VCF-style (leftmost placement, unchanged base first): chr1-156114925-A-AC. GRCh37 (hg19) VCF-style: chr1-156084716-A-AC.
Other names: c.11dup, p.Ser5fs (NM_001282625.2, NM_001282626.2, NM_005572.4 and 1 more transcripts); short protein forms S5fs.
Identifiers: ClinVar variation 640649 (VCV000640649.6), dbSNP rs1572331707, ClinGen allele CA915941454.

ClinVar aggregate classification (germline): Pathogenic (1 of 4 stars; one submission).

Conditions:
Charcot-Marie-Tooth disease type 2. Also called: Charcot-Marie-Tooth type 2. Identifiers: Orphanet 64746, MedGen C0270914, MONDO:0018993.

Submission:

Labcorp Genetics (formerly Invitae), Labcorp
Classification: Pathogenic for Charcot-Marie-Tooth disease type 2. Last evaluated: 2018-08-09. Review status: criteria provided, single submitter. Criteria: Invitae Variant Classification Sherloc (09022015). Collection method: clinical testing. Allele origin: germline.
Comment: This sequence change creates a premature translational stop signal (p.Ser5Valfs*36) in the LMNA gene. It is expected to result in an absent or disrupted protein product. While this variant is not present in population databases, the frequency information is unreliable, as metrics indicate poor data quality at this position in the ExAC database. This variant has not been reported in the literature in individuals with LMNA-related disease. Loss-of-function variants in LMNA are known to be pathogenic (PMID: 18585512, 18926329). For these reasons, this variant has been classified as Pathogenic.

Literature cited by the submitters: PubMed 18585512; PubMed 18926329.